The following is an entry in ClinVar:

ClinVar aggregate classification (germline): Likely pathogenic (1 of 4 stars; one submission).

Conditions:
Hyperekplexia 3 (HKPX3). Also called: HYPEREKPLEXIA 3, AUTOSOMAL RECESSIVE; HYPEREKPLEXIA 3, AUTOSOMAL DOMINANT. Identifiers: Orphanet 3197, MedGen C3553288, MONDO:0013827, OMIM 614618.

Submission:

Labcorp Genetics (formerly Invitae), Labcorp
Classification: Likely pathogenic for Hyperekplexia 3. Last evaluated: 2022-07-25. Review status: criteria provided, single submitter. Criteria: Invitae Variant Classification Sherloc (09022015). Collection method: clinical testing. Allele origin: germline.
Comment: This sequence change affects a donor splice site in intron 1 of the SLC6A5 gene. It is expected to disrupt RNA splicing. Variants that disrupt the donor or acceptor splice site typically lead to a loss of protein function (PMID: 16199547), and loss-of-function variants in SLC6A5 are known to be pathogenic (PMID: 14622583, 16751771, 22700964). In summary, the currently available evidence indicates that the variant is pathogenic, but additional data are needed to prove that conclusively. Therefore, this variant has been classified as Likely Pathogenic. Algorithms developed to predict the effect of sequence changes on RNA splicing suggest that this variant may disrupt the consensus splice site. This variant has not been reported in the literature in individuals affected with SLC6A5-related conditions. This variant is not present in population databases (gnomAD no frequency).

Literature cited by the submitters: PubMed 16199547; PubMed 14622583; PubMed 16751771; PubMed 22700964.

NM_004211.5(SLC6A5):c.3+1G>T

Gene: SLC6A5 (solute carrier family 6 member 5; plus strand). Cytogenetic location: 11p15.1.
Variant type: single nucleotide variant.
Coding change: c.3+1G>T on transcript NM_004211.5 (MANE Select); the canonical splice donor site of the intron after coding-DNA position 3, G replaced by T.
Molecular consequence: splice donor variant.
Genome position (GRCh38, 1-based): chr11:20,599,676, G>T. VCF-style: chr11-20599676-G-T. GRCh37 (hg19) VCF-style: chr11-20621222-G-T.
Other names: c.-561+1G>T (NM_001318369.2).
Identifiers: ClinVar variation 2074189 (VCV002074189.4), dbSNP rs754519573, ClinGen allele CA379910268.
Genomic context (GRCh38, chr11:20,599,676, plus strand): 5'-GTCTTGTCAATAGCGGGTTTCACCCTCCACCAGTTCAGTCTGTTGCCTGTGTCAGACATG[G>T]TGAGTGTTTGCTTTTGTTCTTTCAAGAGGAAAGGGGGCTGAGGGGACAGGGAAAGCAGAT-3'